The following is an entry in ClinVar:

NM_001330700.2(TOP2B):c.3677A>G (p.Lys1226Arg)

Gene: TOP2B (DNA topoisomerase II beta; minus strand). Cytogenetic location: 3p24.2.
Variant type: single nucleotide variant.
Coding change: c.3677A>G on transcript NM_001330700.2 (MANE Select); coding-DNA position 3677, A replaced by G.
Protein change: p.Lys1226Arg; replaces lysine 1226 with arginine.
Molecular consequence: missense variant.
Genome position (GRCh38, 1-based): chr3:25,612,624, T>C on the plus strand (A>G on the coding strand, the complement: TOP2B is on the minus strand). VCF-style: chr3-25612624-T-C. GRCh37 (hg19) VCF-style: chr3-25654115-T-C.
Other names: c.3662A>G, p.Lys1221Arg (NM_001068.3); short protein forms K1221R, K1226R.
Identifiers: ClinVar variation 1439374 (VCV001439374.8), dbSNP rs980344015, ClinGen allele CA71632336.
Genomic context (GRCh38, chr3:25,612,624, plus strand): 5'-ATTTCAGGAATTATTCTTCTGCCATAAGGTGAGGGCATTGTCTCTTCCAACTGGAGTTTC[T>C]TCACCTTAGGTTTGCCAACTTTACCTTTAATTGCTTTTCCAGACATTCCAGCCAGAACAT-3'
Protein context (NP_001317629.1, residues 1216-1236): IKGKVGKPKV[Lys1226Arg]KLQLEETMPS

ClinVar aggregate classification (germline): Uncertain significance (1 of 4 stars; one submission).

Allele frequency attached by ClinVar (database versions not stated): gnomAD exomes 0.00001; TOPMed 0.00002; gnomAD 0.00003.
gnomAD v4.1: 22 of 1,613,680 alleles (0.0014%); highest among the groups gnomAD compares: Admixed American, 0.0017%; no homozygotes.

Submission:

Labcorp Genetics (formerly Invitae), Labcorp
Classification: Uncertain significance. Last evaluated: 2025-10-12. Review status: criteria provided, single submitter. Criteria: Invitae Variant Classification Sherloc (09022015). Collection method: clinical testing. Allele origin: germline.
Comment: This sequence change replaces lysine, which is basic and polar, with arginine, which is basic and polar, at codon 1221 of the TOP2B protein (p.Lys1221Arg). This variant is present in population databases (no rsID available, gnomAD 0.003%). This variant has not been reported in the literature in individuals affected with TOP2B-related conditions. ClinVar contains an entry for this variant (Variation ID: 1439374). An algorithm developed to predict the effect of missense changes on protein structure and function (PolyPhen-2) suggests that this variant is likely to be disruptive. In summary, the available evidence is currently insufficient to determine the role of this variant in disease. Therefore, it has been classified as a Variant of Uncertain Significance.